The following is an entry in ClinVar:

ClinVar aggregate classification (germline): Conflicting classifications of pathogenicity. Review status: criteria provided, conflicting classifications (1 of 4 stars). 4 submissions from 4 submitters: Uncertain significance (1); Likely benign (2). 1 of the submissions does not count toward it. Last evaluated 2025-11-25.

Conditions:
NOTCH2-related disorder. Also called: NOTCH2-related condition.
Alagille syndrome due to a NOTCH2 point mutation. Also called: Alagille syndrome 2. Identifiers: Orphanet 261629, Orphanet 52, MedGen C1857761, MONDO:0012439, OMIM 610205.
Hajdu-Cheney syndrome (HJCYS). Also called: ACROOSTEOLYSIS WITH OSTEOPOROSIS AND CHANGES IN SKULL AND MANDIBLE; Acroosteolysis dominant type; SERPENTINE FIBULA-POLYCYSTIC KIDNEY SYNDROME. Identifiers: Orphanet 955, MedGen C0917715, MONDO:0007057, OMIM 102500.

Allele frequency attached by ClinVar (database versions not stated): gnomAD 0.00001 and 0.00005; TOPMed 0.00002; gnomAD exomes 0.00005 and 0.00008; ExAC 0.00011; 1000 Genomes Project 30x 0.00031; 1000 Genomes Project 0.00040.
gnomAD v4.1: 86 of 1,614,044 alleles (0.0053%); highest among the groups gnomAD compares: South Asian, 0.07%; 3 homozygotes.

Submissions (4):

Labcorp Genetics (formerly Invitae), Labcorp
Classification: Likely benign for Hajdu-Cheney syndrome. Last evaluated: 2025-11-25. Review status: criteria provided, single submitter. Criteria: Invitae Variant Classification Sherloc (09022015). Collection method: clinical testing. Allele origin: germline.

Fulgent Genetics
Classification: Likely benign for Hajdu-Cheney syndrome; Alagille syndrome due to a NOTCH2 point mutation. Last evaluated: 2024-03-19. Review status: criteria provided, single submitter. Criteria: ACMG Guidelines, 2015. Collection method: clinical testing. Allele origin: germline.

Eurofins Ntd Llc (ga)
Classification: Uncertain significance. Last evaluated: 2016-09-27. Review status: criteria provided, single submitter. Criteria: EGL Classification Definitions 2015. Collection method: clinical testing. Allele origin: germline. Observed: 2 variant alleles, 2 heterozygotes.

PreventionGenetics, part of Exact Sciences
Classification: Likely benign for NOTCH2-related condition. Last evaluated: 2023-03-27. Review status: no assertion criteria provided. Collection method: clinical testing. Allele origin: germline. Not counted in ClinVar's aggregate classification.
Comment: This variant is classified as likely benign based on ACMG/AMP sequence variant interpretation guidelines (Richards et al. 2015 PMID: 25741868, with internal and published modifications).

NM_024408.4(NOTCH2):c.7199G>A (p.Arg2400Gln)

Gene: NOTCH2 (notch receptor 2; minus strand). Cytogenetic location: 1p12.
Variant type: single nucleotide variant.
Coding change: c.7199G>A on transcript NM_024408.4 (MANE Select); coding-DNA position 7199, G replaced by A.
Protein change: p.Arg2400Gln; replaces arginine 2400 with glutamine.
Molecular consequence: missense variant.
Genome position (GRCh38, 1-based): chr1:119,915,523, C>T on the plus strand (G>A on the coding strand, the complement: NOTCH2 is on the minus strand). VCF-style: chr1-119915523-C-T. GRCh37 (hg19) VCF-style: chr1-120458146-C-T.
Other names: c.7199G>A (NM_024408.3); short protein forms R2400Q.
Identifiers: ClinVar variation 497629 (VCV000497629.13), dbSNP rs587654671, ClinGen allele CA1039304.